The following is an entry in ClinVar:

NM_206933.4(USH2A):c.4009T>A (p.Phe1337Ile)

Genes: USH2A (usherin; minus strand), USH2A-AS1 (USH2A antisense RNA 1; plus strand). Cytogenetic location: 1q41.
Variant type: single nucleotide variant.
Coding change: c.4009T>A on transcript NM_206933.4 (MANE Select); coding-DNA position 4009, T replaced by A.
Protein change: p.Phe1337Ile; replaces phenylalanine 1337 with isoleucine.
Molecular consequence: missense variant.
Genome position (GRCh38, 1-based): chr1:216,198,387, A>T on the plus strand (T>A on the coding strand, the complement: USH2A is on the minus strand). VCF-style: chr1-216198387-A-T. GRCh37 (hg19) VCF-style: chr1-216371729-A-T.
Other names: c.4009T>A, p.Phe1337Ile (NM_007123.6); short protein forms F1337I.
Identifiers: ClinVar variation 1693090 (VCV001693090.3), dbSNP rs2034901487, ClinGen allele CA344866996.
Genomic context (GRCh38, chr1:216,198,387, plus strand): 5'-TTCTTTCTGAGACCCAGGCAGAAGACACACTTCCAGCCATATTCACAGCTAAGACTCTGA[A>T]CTCATACTTGGTGTATGGCTCCAAGCCAGTGATGGTTGTCATTGTTTGAGGAGGTTTTAA-3'
Protein context (NP_996816.3, residues 1327-1347): TGLEPYTKYE[Phe1337Ile]RVLAVNMAGS

ClinVar aggregate classification (germline): Uncertain significance. Review status: criteria provided, multiple submitters, no conflicts (2 of 4 stars). 2 submissions from 2 submitters: Uncertain significance (2). Last evaluated 2023-12-16.

Conditions:
Inborn genetic diseases. Identifiers: MedGen C0950123, MeSH D030342.

Allele frequency attached by ClinVar (database versions not stated): gnomAD exomes below 0.00001; TOPMed below 0.00001.

Submissions (2):

Ambry Genetics
Classification: Uncertain significance for Inborn genetic diseases. Last evaluated: 2023-12-16. Review status: criteria provided, single submitter. Criteria: Ambry Variant Classification Scheme 2023. Collection method: clinical testing. Allele origin: germline.

GeneDx
Classification: Uncertain significance. Last evaluated: 2021-12-23. Review status: criteria provided, single submitter. Criteria: GeneDx Variant Classification Process June 2021. Collection method: clinical testing. Allele origin: germline. Affected: yes.
Comment: Not observed at significant frequency in large population cohorts (gnomAD); In silico analysis supports that this missense variant has a deleterious effect on protein structure/function; Has not been previously published as pathogenic or benign to our knowledge